The following is an entry in ClinVar:

NM_001830.4(CLCN4):c.635T>G (p.Val212Gly)

Gene: CLCN4 (chloride voltage-gated channel 4; plus strand). Cytogenetic location: Xp22.2.
Variant type: single nucleotide variant.
Coding change: c.635T>G on transcript NM_001830.4 (MANE Select); coding-DNA position 635, T replaced by G.
Protein change: p.Val212Gly; replaces valine 212 with glycine.
Molecular consequence: missense variant.
Genome position (GRCh38, 1-based): chrX:10,206,437, T>G. VCF-style: chrX-10206437-T-G. GRCh37 (hg19) VCF-style: chrX-10174477-T-G.
Other names: c.353T>G, p.Val118Gly (NM_001256944.2); short protein forms V212G, V118G.
Identifiers: ClinVar variation 209111 (VCV000209111.2), dbSNP rs879255580, ClinGen allele CA10575776.

ClinVar aggregate classification (germline): Pathogenic (1 of 4 stars; one submission).

Conditions:
CLCN4-related disorder. Identifiers: MedGen CN232948.

Submission:

Sydney Children's Hospital, SCHN
Classification: Pathogenic for CLCN4-related disorder. Last evaluated: 2016-03-22. Review status: criteria provided, single submitter. Criteria: Submitter's publication. Collection method: clinical testing. Allele origin: maternal. Inheritance: X-linked inheritance. Affected: yes. Observed: 2 variant alleles, 2 hemizygotes. Clinical features observed: intellectual disability.
Comment: Segregates with intellectual disability in family. Clinical phenotype consistent with case series of individuals with CLCN4 related disorder.